The following is an entry in ClinVar:

NM_172364.5(CACNA2D4):c.2200G>A (p.Ala734Thr)

Gene: CACNA2D4 (calcium voltage-gated channel auxiliary subunit alpha2delta 4; minus strand). Cytogenetic location: 12p13.33.
Variant type: single nucleotide variant.
Coding change: c.2200G>A on transcript NM_172364.5 (MANE Select); coding-DNA position 2200, G replaced by A.
Protein change: p.Ala734Thr; replaces alanine 734 with threonine.
Molecular consequence: missense variant.
Genome position (GRCh38, 1-based): chr12:1,853,997, C>T on the plus strand (G>A on the coding strand, the complement: CACNA2D4 is on the minus strand). VCF-style: chr12-1853997-C-T. GRCh37 (hg19) VCF-style: chr12-1963163-C-T.
Other names: short protein forms A734T.
Identifiers: ClinVar variation 1367843 (VCV001367843.8), dbSNP rs957880778, ClinGen allele CA231564932.

ClinVar aggregate classification (germline): Uncertain significance (1 of 4 stars; one submission).

Allele frequency attached by ClinVar (database versions not stated): gnomAD exomes below 0.00001.
gnomAD v4.1: 2 of 1,612,952 alleles (0.00012%); highest among the groups gnomAD compares: Middle Eastern, 0.017%; no homozygotes.

Submission:

Labcorp Genetics (formerly Invitae), Labcorp
Classification: Uncertain significance. Last evaluated: 2022-07-12. Review status: criteria provided, single submitter. Criteria: Invitae Variant Classification Sherloc (09022015). Collection method: clinical testing. Allele origin: germline.
Comment: Algorithms developed to predict the effect of missense changes on protein structure and function are either unavailable or do not agree on the potential impact of this missense change (SIFT: "Deleterious"; PolyPhen-2: "Probably Damaging"; Align-GVGD: "Class C0"). In summary, the available evidence is currently insufficient to determine the role of this variant in disease. Therefore, it has been classified as a Variant of Uncertain Significance. ClinVar contains an entry for this variant (Variation ID: 1367843). This variant has not been reported in the literature in individuals affected with CACNA2D4-related conditions. This variant is not present in population databases (gnomAD no frequency). This sequence change replaces alanine, which is neutral and non-polar, with threonine, which is neutral and polar, at codon 734 of the CACNA2D4 protein (p.Ala734Thr).